The following is an entry in ClinVar:

ClinVar aggregate classification (germline): Uncertain significance (1 of 4 stars; one submission).

Conditions:
TERC-related disorder. Also called: TERC-related condition.

Submission:

PreventionGenetics, part of Exact Sciences
Classification: Uncertain significance for TERC-related condition. Last evaluated: 2025-05-16. Review status: criteria provided, single submitter. Criteria: ACMG Guidelines, 2015. Collection method: clinical testing. Allele origin: germline.
Comment: The TERC n.113T>G is a noncoding alteration. To our knowledge, this variant has not been reported in the literature or in a large population database (gnomAD), indicating this variant is rare. At this time, the clinical significance of this variant is uncertain due to the absence of conclusive functional and genetic evidence.

NR_001566.3(TERC):n.113T>G

Genes: TERC (telomerase RNA component; minus strand), LOC110806306 (telomerase RNA component (TERC) promoter; plus strand). Cytogenetic location: 3q26.2.
Variant type: single nucleotide variant.
Molecular consequence: non-coding transcript variant (on NR_001566.3).
Genome position: GRCh38 VCF-style: chr3-169764948-A-C. GRCh37 (hg19) VCF-style: chr3-169482736-A-C.
Identifiers: ClinVar variation 5001453 (VCV005001453.1).